The following is an entry in ClinVar:

ClinVar aggregate classification (germline): Likely benign. Review status: criteria provided, multiple submitters, no conflicts (2 of 4 stars). 4 submissions from 4 submitters: Likely benign (3). 1 of the submissions does not count toward it. Last evaluated 2022-07-05.

Conditions:
Charcot-Marie-Tooth disease type 4. Also called: Charcot-Marie-Tooth disease, type IV; Charcot-Marie-Tooth, Type 4. Identifiers: Orphanet 64749, MedGen C4082197, MONDO:0018995.
PRX-related disorder. Also called: PRX-related condition; PRX-Related Disorders.
Inborn genetic diseases. Identifiers: MedGen C0950123, MeSH D030342.

Allele frequency attached by ClinVar (database versions not stated): gnomAD exomes 0.00001 and 0.00002; gnomAD 0.00008 and 0.00009; 1000 Genomes Project 0.00020; 1000 Genomes Project 30x 0.00016; TOPMed 0.00009; ESP Exome Variant Server 0.00015; ExAC 0.00002.
gnomAD v4.1: 28 of 1,614,218 alleles (0.0017%); highest among the groups gnomAD compares: African/African-American, 0.023%; no homozygotes.

Submissions (4):

Labcorp Genetics (formerly Invitae), Labcorp
Classification: Likely benign for Charcot-Marie-Tooth disease type 4. Last evaluated: 2022-07-05. Review status: criteria provided, single submitter. Criteria: Invitae Variant Classification Sherloc (09022015). Collection method: clinical testing. Allele origin: germline.

GeneDx
Classification: Likely benign. Last evaluated: 2019-11-05. Review status: criteria provided, single submitter. Criteria: GeneDx Variant Classification Process June 2021. Collection method: clinical testing. Allele origin: germline. Affected: yes.

Ambry Genetics
Classification: Likely benign for Inborn genetic diseases. Last evaluated: 2019-07-11. Review status: criteria provided, single submitter. Criteria: Ambry Variant Classification Scheme 2023. Collection method: clinical testing. Allele origin: germline.

PreventionGenetics, part of Exact Sciences
Classification: Likely benign for PRX-related condition. Last evaluated: 2019-03-06. Review status: no assertion criteria provided. Collection method: clinical testing. Allele origin: germline. Not counted in ClinVar's aggregate classification.
Comment: This variant is classified as likely benign based on ACMG/AMP sequence variant interpretation guidelines (Richards et al. 2015 PMID: 25741868, with internal and published modifications).

NM_181882.3(PRX):c.2265G>A (p.Leu755=)

Gene: PRX (periaxin; minus strand). Cytogenetic location: 19q13.2.
Variant type: single nucleotide variant.
Coding change: c.2265G>A on transcript NM_181882.3 (MANE Select); coding-DNA position 2265, G replaced by A.
Protein change: p.Leu755=; no amino-acid change (leucine 755 retained).
Molecular consequence: synonymous variant. On other transcripts: 3 prime UTR variant (1).
Genome position (GRCh38, 1-based): chr19:40,396,087, C>T on the plus strand (G>A on the coding strand, the complement: PRX is on the minus strand). VCF-style: chr19-40396087-C-T. GRCh37 (hg19) VCF-style: chr19-40901994-C-T.
Other names: c.*2470G>A (NM_020956.2).
Identifiers: ClinVar variation 512600 (VCV000512600.17), dbSNP rs370753668, ClinGen allele CA9444093.